The following is an entry in ClinVar:

NM_206933.4(USH2A):c.8851C>A (p.Gln2951Lys)

Gene: USH2A (usherin; minus strand). Cytogenetic location: 1q41.
Variant type: single nucleotide variant.
Coding change: c.8851C>A on transcript NM_206933.4 (MANE Select); coding-DNA position 8851, C replaced by A.
Protein change: p.Gln2951Lys; replaces glutamine 2951 with lysine.
Molecular consequence: missense variant.
Genome position (GRCh38, 1-based): chr1:215,846,028, G>T on the plus strand (C>A on the coding strand, the complement: USH2A is on the minus strand). VCF-style: chr1-215846028-G-T. GRCh37 (hg19) VCF-style: chr1-216019370-G-T.
Other names: short protein forms Q2951K.
Identifiers: ClinVar variation 1962884 (VCV001962884.5), dbSNP rs201394390, ClinGen allele CA344842242.

ClinVar aggregate classification (germline): Uncertain significance (1 of 4 stars; one submission).

Submission:

Labcorp Genetics (formerly Invitae), Labcorp
Classification: Uncertain significance. Last evaluated: 2023-12-11. Review status: criteria provided, single submitter. Criteria: Invitae Variant Classification Sherloc (09022015). Collection method: clinical testing. Allele origin: germline.
Comment: This sequence change replaces glutamine, which is neutral and polar, with lysine, which is basic and polar, at codon 2951 of the USH2A protein (p.Gln2951Lys). This variant is not present in population databases (gnomAD no frequency). This variant has not been reported in the literature in individuals affected with USH2A-related conditions. ClinVar contains an entry for this variant (Variation ID: 1962884). Advanced modeling of protein sequence and biophysical properties (such as structural, functional, and spatial information, amino acid conservation, physicochemical variation, residue mobility, and thermodynamic stability) performed at Invitae indicates that this missense variant is not expected to disrupt USH2A protein function with a negative predictive value of 95%. In summary, the available evidence is currently insufficient to determine the role of this variant in disease. Therefore, it has been classified as a Variant of Uncertain Significance.